The following is an entry in ClinVar:

ClinVar aggregate classification (germline): Uncertain significance. Review status: criteria provided, multiple submitters, no conflicts (2 of 4 stars). 2 submissions from 2 submitters: Uncertain significance (2). Last evaluated 2023-12-01.

Conditions:
Cardiomyopathy (CMYO). Also called: Cardiomyopathies. Identifiers: Orphanet 167848, MedGen C0878544, MONDO:0004994, HP:0001638. Inheritance: Various modes of inheritance.
Hypertrophic cardiomyopathy. Also called: HYPERTROPHIC MYOCARDIOPATHY. Identifiers: Orphanet 217569, MedGen C0007194, MeSH D002312, MONDO:0005045, HP:0001639.

Allele frequency attached by ClinVar (database versions not stated): TOPMed below 0.00001; ESP Exome Variant Server 0.00008.
gnomAD v4.1: 1 of 1,614,254 alleles (0.000062%); highest among the groups gnomAD compares: Non-Finnish European, 0.000085%; no homozygotes.

Submissions (2):

All of Us Research Program, National Institutes of Health
Classification: Uncertain significance for Cardiomyopathy. Last evaluated: 2023-12-01. Review status: criteria provided, single submitter. Criteria: ACMG Guidelines, 2015. Collection method: clinical testing. Allele origin: germline. Inheritance: Autosomal dominant inheritance. Observed: 1 variant allele, 1 heterozygote.
Comment: This study involves interpretation of variants in research participants for the purpose of population health screening. Participant phenotype was not available at the time of variant classification. Additional details can be found in publication PMID: 35346344, PMCID: PMC8962531

Labcorp Genetics (formerly Invitae), Labcorp
Classification: Uncertain significance for Hypertrophic cardiomyopathy. Last evaluated: 2022-10-07. Review status: criteria provided, single submitter. Criteria: Invitae Variant Classification Sherloc (09022015). Collection method: clinical testing. Allele origin: germline.
Comment: In summary, the available evidence is currently insufficient to determine the role of this variant in disease. Therefore, it has been classified as a Variant of Uncertain Significance. Algorithms developed to predict the effect of missense changes on protein structure and function output the following: SIFT: "Deleterious"; PolyPhen-2: "Benign"; Align-GVGD: "Class C0". The isoleucine amino acid residue is found in multiple mammalian species, which suggests that this missense change does not adversely affect protein function. This variant has not been reported in the literature in individuals affected with MYH7-related conditions. This variant is not present in population databases (gnomAD no frequency). This sequence change replaces methionine, which is neutral and non-polar, with isoleucine, which is neutral and non-polar, at codon 922 of the MYH7 protein (p.Met922Ile).

NM_000257.4(MYH7):c.2766G>A (p.Met922Ile)

Gene: MYH7 (myosin heavy chain 7; minus strand). Cytogenetic location: 14q11.2.
Variant type: single nucleotide variant.
Coding change: c.2766G>A on transcript NM_000257.4 (MANE Select); coding-DNA position 2766, G replaced by A.
Protein change: p.Met922Ile; replaces methionine 922 with isoleucine.
Molecular consequence: missense variant.
Genome position (GRCh38, 1-based): chr14:23,424,063, C>T on the plus strand (G>A on the coding strand, the complement: MYH7 is on the minus strand). VCF-style: chr14-23424063-C-T. GRCh37 (hg19) VCF-style: chr14-23893272-C-T.
Other names: c.2766G>A, p.Met922Ile (NM_001407004.1); short protein forms M922I.
Identifiers: ClinVar variation 1721155 (VCV001721155.6), dbSNP rs138756911, ClinGen allele CA257818961.